The following is an entry in ClinVar:

NM_001040142.2(SCN2A):c.5597T>C (p.Leu1866Ser)

Gene: SCN2A (sodium voltage-gated channel alpha subunit 2; plus strand). Cytogenetic location: 2q24.3.
Variant type: single nucleotide variant.
Coding change: c.5597T>C on transcript NM_001040142.2 (MANE Select); coding-DNA position 5597, T replaced by C.
Protein change: p.Leu1866Ser; replaces leucine 1866 with serine.
Molecular consequence: missense variant.
Genome position (GRCh38, 1-based): chr2:165,389,403, T>C. VCF-style: chr2-165389403-T-C. GRCh37 (hg19) VCF-style: chr2-166245913-T-C.
Other names: c.5597T>C, p.Leu1866Ser (NM_001040143.2, NM_001371246.1, NM_001371247.1 and 1 more transcripts); short protein forms L1866S.
Identifiers: ClinVar variation 619993 (VCV000619993.4), dbSNP rs1553463736, ClinGen allele CA349039477.

ClinVar aggregate classification (germline): Uncertain significance. Review status: criteria provided, multiple submitters, no conflicts (2 of 4 stars). 2 submissions from 2 submitters: Uncertain significance (2). Last evaluated 2023-11-02.

Conditions:
Seizures, benign familial infantile, 3 (BFIS3). Also called: Familial neonatal seizures; CONVULSIONS, BENIGN FAMILIAL INFANTILE, 3. Identifiers: Orphanet 140927, Orphanet 306, MedGen C1843140, MONDO:0011904, OMIM 607745.
Developmental and epileptic encephalopathy, 11 (DEE11). Also called: Early infantile epileptic encephalopathy 11. Identifiers: Orphanet 1934, MedGen C3150987, MONDO:0013388, OMIM 613721.

Submissions (2):

Labcorp Genetics (formerly Invitae), Labcorp
Classification: Uncertain significance for Seizures, benign familial infantile, 3; Developmental and epileptic encephalopathy, 11. Last evaluated: 2023-11-02. Review status: criteria provided, single submitter. Criteria: Invitae Variant Classification Sherloc (09022015). Collection method: clinical testing. Allele origin: germline.
Comment: This sequence change replaces leucine, which is neutral and non-polar, with serine, which is neutral and polar, at codon 1866 of the SCN2A protein (p.Leu1866Ser). This variant is not present in population databases (gnomAD no frequency). This variant has not been reported in the literature in individuals affected with SCN2A-related conditions. ClinVar contains an entry for this variant (Variation ID: 619993). Advanced modeling of protein sequence and biophysical properties (such as structural, functional, and spatial information, amino acid conservation, physicochemical variation, residue mobility, and thermodynamic stability) performed at Invitae indicates that this missense variant is expected to disrupt SCN2A protein function with a positive predictive value of 95%. In summary, the available evidence is currently insufficient to determine the role of this variant in disease. Therefore, it has been classified as a Variant of Uncertain Significance.

Cytogénomique, Hospices Civils de Lyon
Classification: Uncertain significance for Developmental and epileptic encephalopathy, 11; Seizures, benign familial infantile, 3. Last evaluated: 2017-07-12. Review status: criteria provided, single submitter. Criteria: ACMG Guidelines, 2015. Collection method: clinical testing. Allele origin: unknown. Inheritance: Autosomal dominant inheritance. Affected: yes.